The following is an entry in ClinVar:

ClinVar aggregate classification (germline): Uncertain significance (1 of 4 stars; one submission).

Conditions:
ALG1-congenital disorder of glycosylation. Also called: CONGENITAL DISORDER OF GLYCOSYLATION, TYPE Ik; CDG Ik; ALG1-CDG. Identifiers: Orphanet 79327, MedGen C2931005, MONDO:0012052, OMIM 608540.

gnomAD v4.1: 2 of 1,604,910 alleles (0.00012%); highest among the groups gnomAD compares: Non-Finnish European, 0.000085%; no homozygotes.

Submission:

Labcorp Genetics (formerly Invitae), Labcorp
Classification: Uncertain significance for ALG1-congenital disorder of glycosylation. Last evaluated: 2025-08-21. Review status: criteria provided, single submitter. Criteria: Invitae Variant Classification Sherloc (09022015). Collection method: clinical testing. Allele origin: germline.
Comment: This sequence change replaces serine, which is neutral and polar, with leucine, which is neutral and non-polar, at codon 4 of the ALG1 protein (p.Ser4Leu). This variant is not present in population databases (gnomAD no frequency). This variant has not been reported in the literature in individuals affected with ALG1-related conditions. ClinVar contains an entry for this variant (Variation ID: 2816962). Invitae Evidence Modeling of protein sequence and biophysical properties (such as structural, functional, and spatial information, amino acid conservation, physicochemical variation, residue mobility, and thermodynamic stability) has been performed for this missense variant. However, the output from this modeling did not meet the statistical confidence thresholds required to predict the impact of this variant on ALG1 protein function. In summary, the available evidence is currently insufficient to determine the role of this variant in disease. Therefore, it has been classified as a Variant of Uncertain Significance.

NM_019109.5(ALG1):c.11C>T (p.Ser4Leu)

Gene: ALG1 (ALG1 chitobiosyldiphosphodolichol beta-mannosyltransferase; plus strand). Cytogenetic location: 16p13.3.
Variant type: single nucleotide variant.
Coding change: c.11C>T on transcript NM_019109.5 (MANE Select); coding-DNA position 11, C replaced by T.
Protein change: p.Ser4Leu; replaces serine 4 with leucine.
Molecular consequence: missense variant.
Genome position (GRCh38, 1-based): chr16:5,071,860, C>T. VCF-style: chr16-5071860-C-T. GRCh37 (hg19) VCF-style: chr16-5121861-C-T.
Other names: short protein forms S4L.
Identifiers: ClinVar variation 2816962 (VCV002816962.3), dbSNP rs2505844602, ClinGen allele CA394678417.
Genomic context (GRCh38, chr16:5,071,860, plus strand): 5'-GCGCACAGCGCGAGGAAGCGCGGTCACGTGACTGCTGCGGGCCAGCCAAGATGGCGGCCT[C>T]ATGCTTGGTCCTGCTGGCGCTGTGTCTGCTGCTGCCGCTGCTGCTGCTGGGAGGATGGAA-3'
Protein context (NP_061982.3, residues 1-14): MAA[Ser4Leu]CLVLLALCLL